The following is an entry in ClinVar:

ClinVar aggregate classification (germline): Likely benign (0 of 4 stars; one submission).

Conditions:
HUWE1-related disorder. Also called: HUWE1-related condition.

Submission:

PreventionGenetics, part of Exact Sciences
Classification: Likely benign for HUWE1-related condition. Last evaluated: 2020-10-23. Review status: no assertion criteria provided. Collection method: clinical testing. Allele origin: germline.
Comment: This variant is classified as likely benign based on ACMG/AMP sequence variant interpretation guidelines (Richards et al. 2015 PMID: 25741868, with internal and published modifications).

NM_031407.7(HUWE1):c.8418A>T (p.Pro2806=)

Gene: HUWE1 (HECT, UBA and WWE domain containing E3 ubiquitin protein ligase 1; minus strand). Cytogenetic location: Xp11.22.
Variant type: single nucleotide variant.
Coding change: c.8418A>T on transcript NM_031407.7 (MANE Select); coding-DNA position 8418, A replaced by T.
Protein change: p.Pro2806=; no amino-acid change (proline 2806 retained).
Molecular consequence: synonymous variant.
Genome position (GRCh38, 1-based): chrX:53,554,709, T>A on the plus strand (A>T on the coding strand, the complement: HUWE1 is on the minus strand). VCF-style: chrX-53554709-T-A. GRCh37 (hg19) VCF-style: chrX-53581670-T-A.
Identifiers: ClinVar variation 3032409 (VCV003032409.2), dbSNP rs2523541117, ClinGen allele CA516676879.